The following is an entry in ClinVar:

NM_000206.3(IL2RG):c.481del (p.Thr161fs)

Gene: IL2RG (interleukin 2 receptor subunit gamma; minus strand). Cytogenetic location: Xq13.1.
Variant type: Deletion.
Coding change: c.481del on transcript NM_000206.3 (MANE Select); coding-DNA position 481, one base deleted (A; older notation c.481delA).
Protein change: p.Thr161fs; shifts the reading frame from threonine 161.
Molecular consequence: frameshift variant.
Genome position (GRCh38, 1-based): chrX:71,110,269, T deleted on the plus strand (A on the coding strand, the reverse complement: IL2RG is on the minus strand); the first of 2 consecutive T bases (chrX:71,110,269-71,110,270); deleting either gives the same sequence. VCF-style (leftmost placement, unchanged base first): chrX-71110268-GT-G. GRCh37 (hg19) VCF-style: chrX-70330118-GT-G.
Other names: short protein forms T161fs.
Identifiers: ClinVar variation 1725779 (VCV001725779.2), dbSNP rs2519646723, ClinGen allele CA2579638346.

ClinVar aggregate classification (germline): Likely pathogenic (1 of 4 stars; one submission).

Conditions:
X-linked severe combined immunodeficiency (SCIDX1). Also called: IMMUNODEFICIENCY 4; SCID, X-LINKED; SEVERE COMBINED IMMUNODEFICIENCY, X-LINKED, T CELL-NEGATIVE, B CELL-POSITIVE, NK CELL-NEGATIVE; T-B+ severe combined immunodeficiency due to gamma chain deficiency; X-Linked Combined Immunodeficiency Diseases. Identifiers: Orphanet 276, MedGen C6022468, MONDO:0010315, OMIM 300400. Disease mechanism: loss of function.

Submission:

Myriad Genetics, Inc.
Classification: Likely pathogenic for X-linked severe combined immunodeficiency. Last evaluated: 2022-04-01. Review status: criteria provided, single submitter. Criteria: Myriad Women's Health Autosomal Recessive and X-Linked Classification Criteria (2021). Collection method: clinical testing. Allele origin: unknown.
Comment: NM_000206.2(IL2RG):c.481delA(T161Hfs*5) is expected to be pathogenic in the context of X-linked severe combined immunodeficiency. This variant is predicted to lead to an abnormal or absent protein product due to the creation of a premature termination codon in IL2RG, a gene where loss-of-function variants are known to be pathogenic. Please note: this variant was assessed in the context of healthy population screening.